The following is an entry in ClinVar:

ClinVar aggregate classification (germline): Uncertain significance. Review status: criteria provided, multiple submitters, no conflicts (2 of 4 stars). 3 submissions from 3 submitters: Uncertain significance (2). 1 of the submissions does not count toward it. Last evaluated 2025-10-01.

Conditions:
Long QT syndrome (LQTS). Identifiers: MedGen C0023976, MeSH D008133, MONDO:0002442. Disease mechanism: loss of function. Inheritance: Various modes of inheritance.
Cardiovascular phenotype. Identifiers: MedGen CN230736.
Wolff-Parkinson-White pattern. Also called: WPW SYNDROME; Auriculoventricular accessory pathway syndrome; False bundle branch block syndrome; Anomalous ventricular excitation syndrome. Identifiers: MedGen C0043202, MONDO:0008685, OMIM 194200, HP:0001716.

Allele frequency attached by ClinVar (database versions not stated): ExAC 0.00001; gnomAD 0.00001; TOPMed 0.00001; gnomAD exomes 0.00002.
gnomAD v4.1: 29 of 1,614,030 alleles (0.0018%); highest among the groups gnomAD compares: Non-Finnish European, 0.0025%; no homozygotes.

Submissions (3):

Labcorp Genetics (formerly Invitae), Labcorp
Classification: Uncertain significance for Long QT syndrome. Last evaluated: 2025-10-01. Review status: criteria provided, single submitter. Criteria: Invitae Variant Classification Sherloc (09022015). Collection method: clinical testing. Allele origin: germline.
Comment: This sequence change replaces glutamine, which is neutral and polar, with glutamic acid, which is acidic and polar, at codon 3531 of the AKAP9 protein (p.Gln3531Glu). This variant is present in population databases (rs767137372, gnomAD 0.005%). This missense change has been observed in individual(s) with drug-induced torsades de points (PMID: 22584458). ClinVar contains an entry for this variant (Variation ID: 487601). An algorithm developed to predict the effect of missense changes on protein structure and function (PolyPhen-2) suggests that this variant is likely to be tolerated. In summary, the available evidence is currently insufficient to determine the role of this variant in disease. Therefore, it has been classified as a Variant of Uncertain Significance.

Ambry Genetics
Classification: Uncertain significance for Cardiovascular phenotype. Last evaluated: 2025-07-28. Review status: criteria provided, single submitter. Criteria: Ambry Variant Classification Scheme 2023. Collection method: clinical testing. Allele origin: germline.
Comment: The p.Q3531E variant (also known as c.10591C>G), located in coding exon 42 of the AKAP9 gene, results from a C to G substitution at nucleotide position 10591. The glutamine at codon 3531 is replaced by glutamic acid, an amino acid with highly similar properties. This variant was reported in one individual with drug-induced torsades de pointes (Ramirez AH et al. Pharmacogenomics J, 2013 Aug;13:325-9). This amino acid position is well conserved in available vertebrate species. In addition, this alteration is predicted to be tolerated by in silico analysis. Since supporting evidence is limited at this time, the clinical significance of this alteration remains unclear.

Lupski Lab, Baylor-Hopkins CMG, Baylor College of Medicine
Classification: Uncertain significance for Wolff-Parkinson-White pattern. Last evaluated: 2017-07-14. Review status: no assertion criteria provided. Collection method: research. Allele origin: inherited. Affected: yes. Observed: 1 variant allele. Study: Candidate_variants_in_patients_with_ Wolff-Parkinson-White Syndrome. Not counted in ClinVar's aggregate classification.

Literature cited by the submitters: PubMed 22584458 (cited by Labcorp Genetics (formerly Invitae), Labcorp and Ambry Genetics).

NM_005751.5(AKAP9):c.10591C>G (p.Gln3531Glu)

Gene: AKAP9 (A-kinase anchoring protein 9; plus strand). Cytogenetic location: 7q21.2.
Variant type: single nucleotide variant.
Coding change: c.10591C>G on transcript NM_005751.5 (MANE Select); coding-DNA position 10591, C replaced by G.
Protein change: p.Gln3531Glu; replaces glutamine 3531 with glutamic acid.
Molecular consequence: missense variant.
Genome position (GRCh38, 1-based): chr7:92,097,778, C>G. VCF-style: chr7-92097778-C-G. GRCh37 (hg19) VCF-style: chr7-91727092-C-G.
Other names: c.5236C>G, p.Gln1746Glu (NM_001379277.1); c.10567C>G, p.Gln3523Glu (NM_147185.3); short protein forms Q3523E, Q3531E, Q1746E.
Identifiers: ClinVar variation 487601 (VCV000487601.14), dbSNP rs767137372, ClinGen allele CA4337973.